The following is an entry in ClinVar:

ClinVar aggregate classification (germline): Uncertain significance (1 of 4 stars; one submission).

gnomAD v4.1: 1 of 1,614,148 alleles (0.000062%); highest among the groups gnomAD compares: Non-Finnish European, 0.000085%; no homozygotes.

Submission:

Labcorp Genetics (formerly Invitae), Labcorp
Classification: Uncertain significance. Last evaluated: 2024-05-21. Review status: criteria provided, single submitter. Criteria: Invitae Variant Classification Sherloc (09022015). Collection method: clinical testing. Allele origin: germline.
Comment: This sequence change replaces serine, which is neutral and polar, with tryptophan, which is neutral and slightly polar, at codon 93 of the SERPINF1 protein (p.Ser93Trp). This variant is not present in population databases (gnomAD no frequency). This variant has not been reported in the literature in individuals affected with SERPINF1-related conditions. ClinVar contains an entry for this variant (Variation ID: 2100038). Advanced modeling of protein sequence and biophysical properties (such as structural, functional, and spatial information, amino acid conservation, physicochemical variation, residue mobility, and thermodynamic stability) performed at Invitae indicates that this missense variant is not expected to disrupt SERPINF1 protein function with a negative predictive value of 80%. In summary, the available evidence is currently insufficient to determine the role of this variant in disease. Therefore, it has been classified as a Variant of Uncertain Significance.

NM_002615.7(SERPINF1):c.278C>G (p.Ser93Trp)

Genes: SERPINF1 (serpin family F member 1; plus strand), LOC130059892 (ATAC-STARR-seq lymphoblastoid active region 11457; plus strand). Cytogenetic location: 17p13.3.
Variant type: single nucleotide variant.
Coding change: c.278C>G on transcript NM_002615.7 (MANE Select); coding-DNA position 278, C replaced by G.
Protein change: p.Ser93Trp; replaces serine 93 with tryptophan.
Molecular consequence: missense variant. On other transcripts: 5 prime UTR variant (1).
Genome position (GRCh38, 1-based): chr17:1,770,045, C>G. VCF-style: chr17-1770045-C-G. GRCh37 (hg19) VCF-style: chr17-1673339-C-G.
Other names: c.278C>G, p.Ser93Trp (NM_001329903.2); c.-284C>G (NM_001329904.2); short protein forms S93W.
Identifiers: ClinVar variation 2100038 (VCV002100038.4), dbSNP rs369973630, ClinGen allele CA397584295.